The following is an entry in ClinVar:

NM_006005.3(WFS1):c.1930G>T (p.Val644Leu)

Gene: WFS1 (wolframin ER transmembrane glycoprotein; plus strand). Cytogenetic location: 4p16.1.
Variant type: single nucleotide variant.
Coding change: c.1930G>T on transcript NM_006005.3 (MANE Select); coding-DNA position 1930, G replaced by T.
Protein change: p.Val644Leu; replaces valine 644 with leucine.
Molecular consequence: missense variant.
Genome position (GRCh38, 1-based): chr4:6,301,725, G>T. VCF-style: chr4-6301725-G-T. GRCh37 (hg19) VCF-style: chr4-6303452-G-T.
Other names: c.1930G>T, p.Val644Leu (NM_001145853.1); short protein forms V644L.
Identifiers: ClinVar variation 215364 (VCV000215364.2), dbSNP rs141570700, ClinGen allele CA324828.

ClinVar aggregate classification (germline): Conflicting classifications of pathogenicity. Review status: criteria provided, conflicting classifications (1 of 4 stars). 2 submissions from 2 submitters: Uncertain significance (1); Likely benign (1). Last evaluated 2025-07-06.

Allele frequency attached by ClinVar (database versions not stated): TOPMed 0.00002.

Submissions (2):

Labcorp Genetics (formerly Invitae), Labcorp
Classification: Uncertain significance. Last evaluated: 2025-07-06. Review status: criteria provided, single submitter. Criteria: Invitae Variant Classification Sherloc (09022015). Collection method: clinical testing. Allele origin: germline.
Comment: This sequence change replaces valine, which is neutral and non-polar, with leucine, which is neutral and non-polar, at codon 644 of the WFS1 protein (p.Val644Leu). The frequency data for this variant in the population databases is considered unreliable, as metrics indicate poor data quality at this position in the gnomAD database. This variant has not been reported in the literature in individuals affected with WFS1-related conditions. ClinVar contains an entry for this variant (Variation ID: 215364). An algorithm developed to predict the effect of missense changes on protein structure and function outputs the following: PolyPhen-2: "Benign". The leucine amino acid residue is found in multiple mammalian species, which suggests that this missense change does not adversely affect protein function. In summary, the available evidence is currently insufficient to determine the role of this variant in disease. Therefore, it has been classified as a Variant of Uncertain Significance.

GeneDx
Classification: Likely benign. Last evaluated: 2013-08-07. Review status: criteria provided, single submitter. Criteria: GeneDx Variant Classification (06012015). Collection method: clinical testing. Allele origin: germline. Affected: yes.
Comment: This variant is considered likely benign or benign based on one or more of the following criteria: it is a conservative change, it occurs at a poorly conserved position in the protein, it is predicted to be benign by multiple in silico algorithms, and/or has population frequency not consistent with disease.